The following is an entry in ClinVar:

ClinVar aggregate classification (germline): Pathogenic (1 of 4 stars; one submission).

Submission:

Labcorp Genetics (formerly Invitae), Labcorp
Classification: Pathogenic. Last evaluated: 2023-06-02. Review status: criteria provided, single submitter. Criteria: Invitae Variant Classification Sherloc (09022015). Collection method: clinical testing. Allele origin: germline.
Comment: For these reasons, this variant has been classified as Pathogenic. This sequence change creates a premature translational stop signal (p.Ala4483Glnfs*24) in the LRP2 gene. It is expected to result in an absent or disrupted protein product. Loss-of-function variants in LRP2 are known to be pathogenic (PMID: 17632512, 25682901). This variant is not present in population databases (gnomAD no frequency). This variant has not been reported in the literature in individuals affected with LRP2-related conditions.

Literature cited by the submitters: PubMed 17632512; PubMed 25682901.

NM_004525.3(LRP2):c.13443del (p.Ala4483fs)

Gene: LRP2 (LDL receptor related protein 2; minus strand). Cytogenetic location: 2q31.1.
Variant type: Deletion.
Coding change: c.13443del on transcript NM_004525.3 (MANE Select); coding-DNA position 13443, one base deleted (A; older notation c.13443delA).
Protein change: p.Ala4483fs; shifts the reading frame from alanine 4483.
Molecular consequence: frameshift variant.
Genome position (GRCh38, 1-based): chr2:169,138,652, T deleted on the plus strand (A on the coding strand, the reverse complement: LRP2 is on the minus strand). VCF-style (leftmost placement, unchanged base first): chr2-169138651-CT-C. GRCh37 (hg19) VCF-style: chr2-169995161-CT-C.
Other names: short protein forms A4483fs.
Identifiers: ClinVar variation 2756640 (VCV002756640.3), dbSNP rs2545642461, ClinGen allele CA2697551265.